The following is an entry in ClinVar:

ClinVar aggregate classification (germline): Uncertain significance. Review status: criteria provided, multiple submitters, no conflicts (2 of 4 stars). 3 submissions from 3 submitters: Uncertain significance (3). Last evaluated 2025-11-03.

Conditions:
Hereditary cancer-predisposing syndrome. Also called: Neoplastic Syndromes, Hereditary; Tumor predisposition; Hereditary neoplastic syndrome; Hereditary Cancer Syndrome. Identifiers: Orphanet 140162, MedGen C0027672, MeSH D009386, MONDO:0015356.
Hereditary breast ovarian cancer syndrome. Also called: Hereditary breast and ovarian cancer syndrome; Hereditary breast and ovarian cancer; Hereditary breast and ovarian cancer syndrome (HBOC); Breast and ovarian cancer; Hereditary breast and/or ovarian cancer syndrome; BRCA1- and BRCA2-Associated Hereditary Breast and Ovarian Cancer. Identifiers: Orphanet 145, MedGen C0677776, MeSH D061325, MONDO:0003582. Disease mechanism: loss of function.

Allele frequency attached by ClinVar (database versions not stated): TOPMed below 0.00001.

Submissions (3):

Labcorp Genetics (formerly Invitae), Labcorp
Classification: Uncertain significance for Hereditary breast ovarian cancer syndrome. Last evaluated: 2025-11-03. Review status: criteria provided, single submitter. Criteria: Invitae Variant Classification Sherloc (09022015). Collection method: clinical testing. Allele origin: germline.
Comment: This sequence change replaces serine, which is neutral and polar, with alanine, which is neutral and non-polar, at codon 1484 of the BRCA1 protein (p.Ser1484Ala). This variant is not present in population databases (gnomAD no frequency). This variant has not been reported in the literature in individuals affected with BRCA1-related conditions. ClinVar contains an entry for this variant (Variation ID: 630099). Invitae Evidence Modeling of protein sequence and biophysical properties (such as structural, functional, and spatial information, amino acid conservation, physicochemical variation, residue mobility, and thermodynamic stability) indicates that this missense variant is not expected to disrupt BRCA1 protein function with a negative predictive value of 95%. In summary, the available evidence is currently insufficient to determine the role of this variant in disease. Therefore, it has been classified as a Variant of Uncertain Significance.

Color Diagnostics, LLC DBA Color Health
Classification: Uncertain significance for Hereditary cancer-predisposing syndrome. Last evaluated: 2025-06-24. Review status: criteria provided, single submitter. Criteria: ACMG Guidelines, 2015. Collection method: clinical testing. Allele origin: germline.
Comment: This missense variant replaces serine with alanine at codon 1484 of the BRCA1 protein. Computational prediction suggests that this variant may not impact protein structure and function. To our knowledge, functional studies have not been reported for this variant. This variant has not been reported in individuals affected with BRCA1-related disorders in the literature. This variant has not been identified in the general population by the Genome Aggregation Database (gnomAD). The available evidence is insufficient to determine the role of this variant in disease conclusively. Therefore, this variant is classified as a Variant of Uncertain Significance.

Ambry Genetics
Classification: Uncertain significance for Hereditary cancer-predisposing syndrome. Last evaluated: 2023-01-04. Review status: criteria provided, single submitter. Criteria: Ambry Variant Classification Scheme 2023. Collection method: clinical testing. Allele origin: germline.
Comment: The p.S1484A variant (also known as c.4450T>G), located in coding exon 12 of the BRCA1 gene, results from a T to G substitution at nucleotide position 4450. The serine at codon 1484 is replaced by alanine, an amino acid with similar properties. This amino acid position is not well conserved in available vertebrate species. In addition, this alteration is predicted to be tolerated by in silico analysis. Since supporting evidence is limited at this time, the clinical significance of this alteration remains unclear.

NM_007294.4(BRCA1):c.4450T>G (p.Ser1484Ala)

Gene: BRCA1 (BRCA1 DNA repair associated; minus strand). Cytogenetic location: 17q21.31.
Variant type: single nucleotide variant.
Coding change: c.4450T>G on transcript NM_007294.4 (MANE Select); coding-DNA position 4450, T replaced by G.
Protein change: p.Ser1484Ala; replaces serine 1484 with alanine.
Molecular consequence: missense variant. On other transcripts: non-coding transcript variant (1).
Genome position (GRCh38, 1-based): chr17:43,076,522, A>C on the plus strand (T>G on the coding strand, the complement: BRCA1 is on the minus strand). VCF-style: chr17-43076522-A-C. GRCh37 (hg19) VCF-style: chr17-41228539-A-C.
Other names: c.1012T>G, p.Ser338Ala (NM_001408448.1, NM_001408450.1, NM_001408445.1 and 2 more transcripts); c.4447T>G, p.Ser1483Ala (NM_001407618.1, NM_001407619.1, NM_001407624.1 and 17 more transcripts); c.4306T>G, p.Ser1436Ala (NM_001407741.1, NM_001407742.1, NM_001407744.1 and 21 more transcripts); c.1000T>G, p.Ser334Ala (NM_001408455.1, NM_001408452.1, NM_001408453.1 and 3 more transcripts); c.1006T>G, p.Ser336Ala (NM_001408451.1); c.4237T>G, p.Ser1413Ala (NM_001407571.1, NM_001407894.1, NM_001407895.1 and 12 more transcripts); c.4516T>G, p.Ser1506Ala (NM_001407581.1, NM_001407582.1); c.4513T>G, p.Ser1505Ala (NM_001407583.1, NM_001407585.1, NM_001407587.1 and 1 more transcripts); and 68 more; short protein forms S1484A, S1505A, S1437A, S380A, S1187A, S1315A, S1356A, S1373A.
Identifiers: ClinVar variation 630099 (VCV000630099.20), dbSNP rs80357404, ClinGen allele CA10592633.
Genomic context (GRCh38, chr17:43,076,522, plus strand): 5'-AGCATCTTTACATTGATGTTTCTTACCTTTCCACTCCTGGTTCTTTATTTTTACTGGTAG[A>C]ACTATCTGCAGACACCTCAAACTTGTCAGCAGAAAGGCCTTCTGGATTCTGGCTTATAGG-3'
Protein context (NP_009225.1, residues 1474-1494): ADKFEVSADS[Ser1484Ala]TSKNKEPGVE